The following is an entry in ClinVar:

GRCh37/hg19 1p36.33-36.32(chr1:1182855-2431925)x1

Genes: TMEM88B (transmembrane protein 88B; plus strand), UBE2J2 (ubiquitin conjugating enzyme E2 J2; minus strand), VWA1 (von Willebrand factor A domain containing 1; plus strand), ACAP3 (ArfGAP with coiled-coil, ankyrin repeat and PH domains 3; minus strand), ANKRD65 (ankyrin repeat domain 65; minus strand) and 35 more. Cytogenetic location: 1p36.33-36.32.
Variant type: copy number loss.
Change: copy number 1 (one copy instead of two) of chr1:1,182,855-2,431,925 (1.25 Mb, GRCh37 coordinates, 1-based), cytogenetic band 1p36.33-36.32.
Identifiers: ClinVar variation 2685277 (VCV002685277.1).

ClinVar aggregate classification (germline): Likely pathogenic (1 of 4 stars; one submission).

Submission:

Quest Diagnostics Nichols Institute San Juan Capistrano
Classification: Likely pathogenic. Last evaluated: 2022-10-30. Review status: criteria provided, single submitter. Criteria: ACMG/ClinGen CNV Guidelines, 2019. Collection method: clinical testing. Allele origin: unknown.
Comment: The copy number loss of 1p36.33p36.32 includes multiple genes, and is within the distal 1p36 deletion syndrome region (OMIM 607872). It involves some of the genes proposed to contribute to the 1p36 deletion syndrome phenotype (such as MMP23B, GABRD, and SKI), but does not include all of the critical genes (Jordan 2015). Additionally, there are no similar copy number losses of this region reported in the general populations of the Database of Genomic Variants. Thus, this copy number variant is classified as likely pathogenic. References: Jordan et al. Appl Clin Genet. 2015 Aug 27;8:189-200. PMID: 26345236 Marshall et al. BMC Med Genet. 2013 May 1;14:49. PMID: 23634718 Santos-Reboucas et al. Front Genet. 2020 Mar 4;11:101. PMID: 32194616 Zink et al. Mol Syndromol. 2014 Feb;5(2):65-75. PMID: 24715853